The following is an entry in ClinVar:

ClinVar aggregate classification (germline): Uncertain significance (1 of 4 stars; one submission).

Conditions:
Joubert syndrome 21 (JBTS21). Identifiers: MedGen C3810212, MONDO:0014288, OMIM 615636.

gnomAD v4.1: 2 of 1,605,288 alleles (0.00012%); highest among the groups gnomAD compares: Non-Finnish European, 0.00017%; no homozygotes.

Submission:

Labcorp Genetics (formerly Invitae), Labcorp
Classification: Uncertain significance for Joubert syndrome 21. Last evaluated: 2022-07-03. Review status: criteria provided, single submitter. Criteria: Invitae Variant Classification Sherloc (09022015). Collection method: clinical testing. Allele origin: germline.
Comment: This variant is not present in population databases (gnomAD no frequency). This sequence change replaces aspartic acid, which is acidic and polar, with asparagine, which is neutral and polar, at codon 377 of the CSPP1 protein (p.Asp377Asn). This variant has not been reported in the literature in individuals affected with CSPP1-related conditions. In summary, the available evidence is currently insufficient to determine the role of this variant in disease. Therefore, it has been classified as a Variant of Uncertain Significance. Algorithms developed to predict the effect of missense changes on protein structure and function are either unavailable or do not agree on the potential impact of this missense change (SIFT: "Deleterious"; PolyPhen-2: "Probably Damaging"; Align-GVGD: "Class C15").

NM_001382391.1(CSPP1):c.1102G>A (p.Asp368Asn)

Gene: CSPP1 (centrosome and spindle pole associated protein 1; plus strand). Cytogenetic location: 8q13.2.
Variant type: single nucleotide variant.
Coding change: c.1102G>A on transcript NM_001382391.1 (MANE Select); coding-DNA position 1102, G replaced by A.
Protein change: p.Asp368Asn; replaces aspartic acid 368 with asparagine.
Molecular consequence: missense variant.
Genome position (GRCh38, 1-based): chr8:67,111,980, G>A. VCF-style: chr8-67111980-G-A. GRCh37 (hg19) VCF-style: chr8-68024215-G-A.
Other names: c.247G>A, p.Asp83Asn (NM_001291339.2); c.1021G>A, p.Asp341Asn (NM_001363131.2, NM_001363133.2); c.1102G>A, p.Asp368Asn (NM_001363132.2); c.1210G>A, p.Asp404Asn (NM_001364869.1); c.1030G>A, p.Asp344Asn (NM_001364870.1); c.1129G>A, p.Asp377Asn (NM_024790.7); short protein forms D341N, D368N, D377N, D404N, D344N, D83N.
Identifiers: ClinVar variation 2013378 (VCV002013378.4), dbSNP rs1362751399, ClinGen allele CA371196379.